The following is an entry in ClinVar:

ClinVar aggregate classification (germline): Pathogenic. Review status: criteria provided, multiple submitters, no conflicts (2 of 4 stars). 2 submissions from 2 submitters: Pathogenic (2). Last evaluated 2022-12-07.

Conditions:
Xeroderma pigmentosum (XP). Identifiers: Orphanet 910, MedGen C0043346, MONDO:0019600.

Submissions (2):

GeneDx
Classification: Pathogenic. Last evaluated: 2022-12-07. Review status: criteria provided, single submitter. Criteria: GeneDx Variant Classification Process June 2021. Collection method: clinical testing. Allele origin: germline. Affected: yes.
Comment: Frameshift variant predicted to result in protein truncation or nonsense mediated decay in a gene for which loss of function is a known mechanism of disease; Not observed at significant frequency in large population cohorts (gnomAD); This variant is associated with the following publications: (PMID: 24700531, 12060391)

Women's Health and Genetics/Laboratory Corporation of America, LabCorp
Classification: Pathogenic for Xeroderma pigmentosum. Last evaluated: 2021-04-02. Review status: criteria provided, single submitter. Criteria: LabCorp Variant Classification Summary - May 2015. Collection method: clinical testing. Allele origin: germline.
Comment: Variant summary: ERCC5 c.2606_2607delTG (p.Val869GlyfsX11) results in a premature termination codon, predicted to cause a truncation of the encoded protein or absence of the protein due to nonsense mediated decay, which are commonly known mechanisms for disease. The variant allele was found at a frequency of 3.2e-05 in 31392 control chromosomes (gnomAD). c.2606_2607delTG (also reported as c.2801_2804delTG) has been reported in the literature in an individual who was compound heterozygous for the variant of interest and another nonsense variant (Emmert_2002). The variant has been subsequently cited by others (example: Chikhaoui_2019, Drury_2014, Schafer_2013). The patient mentioned above was presented with combined features of Xeroderma Pigmentosum (XP) and Cockayne syndrome (CS). Fibroblasts derived from this patient showed marked reduction in post-ultraviolet cell survival and DNA repair (Emmert_2002). No clinical diagnostic laboratories have submitted clinical-significance assessments for this variant to ClinVar after 2014. Based on the evidence outlined above, the variant was classified as pathogenic.

Literature cited by the submitters: PubMed 30838033 (cited by Women's Health and Genetics/Laboratory Corporation of America, LabCorp); PubMed 24700531 (cited by Women's Health and Genetics/Laboratory Corporation of America, LabCorp); PubMed 12060391 (cited by Women's Health and Genetics/Laboratory Corporation of America, LabCorp); PubMed 23370536 (cited by Women's Health and Genetics/Laboratory Corporation of America, LabCorp).

NM_000123.4(ERCC5):c.2606_2607del (p.Val869fs)

Genes: BIVM-ERCC5 (BIVM-ERCC5 readthrough; plus strand), ERCC5 (ERCC excision repair 5, endonuclease; plus strand). Cytogenetic location: 13q33.1.
Variant type: Microsatellite.
Coding change: c.2606_2607del on transcript NM_000123.4 (MANE Select); coding-DNA positions 2606 to 2607, 2 bases deleted (TG; older notation c.2606_2607delTG).
Protein change: p.Val869fs; shifts the reading frame from valine 869.
Molecular consequence: frameshift variant.
Genome position (GRCh38, 1-based): chr13:102,868,185-102,868,186, TG deleted; deleting any 2 consecutive bases within chr13:102,868,183-102,868,186 gives the same sequence; the c. name uses the placement nearest the transcript's 3' end. VCF-style (leftmost placement, unchanged base first): chr13-102868182-CTG-C. GRCh37 (hg19) VCF-style: chr13-103520532-CTG-C.
Other names: c.2606_2607delTG (NM_000123.3); c.3968_3969del, p.Val1323fs (NM_001204425.2); c.2604_2605TG[1], p.Val869Glyfs (NM_000123.3); short protein forms V1323fs, V869fs.
Identifiers: ClinVar variation 1065165 (VCV001065165.2), dbSNP rs779078202, ClinGen allele CA7041683.